The following is an entry in ClinVar:

NM_001291415.2(KDM6A):c.2957A>G (p.Asp986Gly)

Gene: KDM6A (lysine demethylase 6A; plus strand). Cytogenetic location: Xp11.3.
Variant type: single nucleotide variant.
Coding change: c.2957A>G on transcript NM_001291415.2 (MANE Select); coding-DNA position 2957, A replaced by G.
Protein change: p.Asp986Gly; replaces aspartic acid 986 with glycine.
Molecular consequence: missense variant. On other transcripts: non-coding transcript variant (1).
Genome position (GRCh38, 1-based): chrX:45,076,795, A>G. VCF-style: chrX-45076795-A-G. GRCh37 (hg19) VCF-style: chrX-44936040-A-G.
Other names: c.2822A>G, p.Asp941Gly (NM_001291416.2, NM_001419811.1); c.2666A>G, p.Asp889Gly (NM_001291417.2); c.2564A>G, p.Asp855Gly (NM_001291418.2, NM_001419815.1); c.1913A>G, p.Asp638Gly (NM_001291421.2); c.2699A>G, p.Asp900Gly (NM_001410742.1, NM_001419814.1); c.2957A>G, p.Asp986Gly (NM_001419809.1); c.2855A>G, p.Asp952Gly (NM_001419810.1, NM_001419813.1); c.2801A>G, p.Asp934Gly (NM_001419812.1, NM_021140.4); short protein forms D855G, D638G, D900G, D952G, D889G, D986G, D934G, D941G.
Identifiers: ClinVar variation 2836530 (VCV002836530.3), dbSNP rs2523117656, ClinGen allele CA412799229.

ClinVar aggregate classification (germline): Uncertain significance (1 of 4 stars; one submission).

Conditions:
Kabuki syndrome 2 (KABUK2). Also called: KDM6A-Related Kabuki Syndrome. Identifiers: Orphanet 2322, MedGen C3275495, MONDO:0010465, OMIM 300867.

Submission:

Labcorp Genetics (formerly Invitae), Labcorp
Classification: Uncertain significance for Kabuki syndrome 2. Last evaluated: 2023-02-11. Review status: criteria provided, single submitter. Criteria: Invitae Variant Classification Sherloc (09022015). Collection method: clinical testing. Allele origin: germline.
Comment: In summary, the available evidence is currently insufficient to determine the role of this variant in disease. Therefore, it has been classified as a Variant of Uncertain Significance. Algorithms developed to predict the effect of missense changes on protein structure and function (SIFT, PolyPhen-2, Align-GVGD) all suggest that this variant is likely to be disruptive. This variant has not been reported in the literature in individuals affected with KDM6A-related conditions. This variant is not present in population databases (gnomAD no frequency). This sequence change replaces aspartic acid, which is acidic and polar, with glycine, which is neutral and non-polar, at codon 934 of the KDM6A protein (p.Asp934Gly).